The following is an entry in ClinVar:

NM_003482.4(KMT2D):c.14857G>A (p.Ala4953Thr)

Gene: KMT2D (lysine methyltransferase 2D; minus strand). Cytogenetic location: 12q13.12.
Variant type: single nucleotide variant.
Coding change: c.14857G>A on transcript NM_003482.4 (MANE Select); coding-DNA position 14857, G replaced by A.
Protein change: p.Ala4953Thr; replaces alanine 4953 with threonine.
Molecular consequence: missense variant.
Genome position (GRCh38, 1-based): chr12:49,027,109, C>T on the plus strand (G>A on the coding strand, the complement: KMT2D is on the minus strand). VCF-style: chr12-49027109-C-T. GRCh37 (hg19) VCF-style: chr12-49420892-C-T.
Other names: short protein forms A4953T.
Identifiers: ClinVar variation 4996580 (VCV004996580.1).
Genomic context (GRCh38, chr12:49,027,109, plus strand): 5'-CTTCACCTTCTTCAGGGGGCCGGGCACGGGGCTTGGGTCGGGCTGATTCAGGGGATGAGG[C>T]CAGTGGCAGAGGTGAGGGGACGGGTGGCTCAGCCAAGGGTTCGGTGGGAAGTTCAACCAA-3'
Protein context (NP_003473.3, residues 4943-4963): EPPVPSPLPL[Ala4953Thr]SSPESARPKP

ClinVar aggregate classification (germline): Uncertain significance (1 of 4 stars; one submission).

Conditions:
KMT2D-related disorder. Also called: KMT2D-Related Disorders.

gnomAD v4.1: 1 of 1,600,270 alleles (0.000062%); highest among the groups gnomAD compares: Admixed American, 0.0017%; no homozygotes.

Submission:

PreventionGenetics, part of Exact Sciences
Classification: Uncertain significance for KMT2D-related condition. Last evaluated: 2025-09-08. Review status: criteria provided, single submitter. Criteria: ACMG Guidelines, 2015. Collection method: clinical testing. Allele origin: germline.
Comment: The KMT2D c.14857G>A variant is predicted to result in the amino acid substitution p.Ala4953Thr. To our knowledge, this variant has not been reported in the literature. This variant is reported in 0.0030% of alleles in individuals of Latino descent in gnomAD. At this time, the clinical significance of this variant is uncertain due to the absence of conclusive functional and genetic evidence.